The following is an entry in ClinVar:

ClinVar aggregate classification (germline): Uncertain significance (1 of 4 stars; one submission).

gnomAD v4.1: 2 of 1,613,966 alleles (0.00012%); highest among the groups gnomAD compares: East Asian, 0.0045%; no homozygotes.

Submission:

Ambry Genetics
Classification: Uncertain significance. Last evaluated: 2025-03-24. Review status: criteria provided, single submitter. Criteria: Ambry Variant Classification Scheme 2023. Collection method: clinical testing. Allele origin: germline.
Comment: The p.N183K variant (also known as c.549T>A), located in coding exon 1 of the TET2 gene, results from a T to A substitution at nucleotide position 549. The asparagine at codon 183 is replaced by lysine, an amino acid with similar properties. This amino acid position is conserved. In addition, this alteration is predicted to be tolerated by in silico analysis. Based on the available evidence, the clinical significance of this variant remains unclear.

NM_001127208.3(TET2):c.549T>A (p.Asn183Lys)

Genes: TET2 (tet methylcytosine dioxygenase 2; plus strand), TET2-AS1 (TET2 antisense RNA 1; minus strand). Cytogenetic location: 4q24.
Variant type: single nucleotide variant.
Coding change: c.549T>A on transcript NM_001127208.3 (MANE Select); coding-DNA position 549, T replaced by A.
Protein change: p.Asn183Lys; replaces asparagine 183 with lysine.
Molecular consequence: missense variant.
Genome position (GRCh38, 1-based): chr4:105,234,491, T>A. VCF-style: chr4-105234491-T-A. GRCh37 (hg19) VCF-style: chr4-106155648-T-A.
Other names: c.549T>A, p.Asn183Lys (NM_017628.4); short protein forms N183K.
Identifiers: ClinVar variation 3967480 (VCV003967480.1).